The following is an entry in ClinVar:

ClinVar aggregate classification (germline): Benign/Likely benign. Review status: criteria provided, multiple submitters, no conflicts (2 of 4 stars). 3 submissions from 3 submitters: Benign (1); Likely benign (2). Last evaluated 2025-11-23.

Conditions:
Cone-rod synaptic disorder, congenital nonprogressive. Also called: NIGHT BLINDNESS, CONGENITAL STATIONARY, INCOMPLETE, AUTOSOMAL RECESSIVE. Identifiers: Orphanet 215, MedGen C4041558, MONDO:0012490, OMIM 610427.

Allele frequency attached by ClinVar (database versions not stated): ESP Exome Variant Server 0.00008; TOPMed 0.00034; gnomAD exomes 0.00076 and 0.00139; gnomAD 0.00087 and 0.00095; ExAC 0.00128; 1000 Genomes Project 30x 0.00172; 1000 Genomes Project 0.00220.
gnomAD v4.1: 1,224 of 1,600,434 alleles (0.076%); highest among the groups gnomAD compares: East Asian, 1.3%; 8 homozygotes.

Submissions (3):

Labcorp Genetics (formerly Invitae), Labcorp
Classification: Benign. Last evaluated: 2025-11-23. Review status: criteria provided, single submitter. Criteria: Invitae Variant Classification Sherloc (09022015). Collection method: clinical testing. Allele origin: germline.

Blueprint Genetics
Classification: Likely benign. Last evaluated: 2024-11-15. Review status: criteria provided, single submitter. Criteria: ACMG Guidelines, 2015. Collection method: clinical testing. Allele origin: germline.

Illumina Laboratory Services, Illumina
Classification: Likely benign for Cone-rod synaptic disorder, congenital nonprogressive. Last evaluated: 2018-01-12. Review status: criteria provided, single submitter. Criteria: ICSL Variant Classification Criteria 13 December 2019. Collection method: clinical testing. Allele origin: germline.
Comment: This variant was observed in the ICSL laboratory as part of a predisposition screen in an ostensibly healthy population. It had not been previously curated by ICSL or reported in the Human Gene Mutation Database (HGMD: prior to June 1st, 2018), and was therefore a candidate for classification through an automated scoring system. Utilizing variant allele frequency, disease prevalence and penetrance estimates, and inheritance mode, an automated score was calculated to assess if this variant is too frequent to cause the disease. Based on the score and internal cut-off values, a variant classified as likely benign is not then subjected to further curation. The score for this variant resulted in a classification of likely benign for this disease.

NM_145200.5(CABP4):c.652-11G>A

Gene: CABP4 (calcium binding protein 4; plus strand). Cytogenetic location: 11q13.2.
Variant type: single nucleotide variant.
Coding change: c.652-11G>A on transcript NM_145200.5 (MANE Select); 11 bases into the intron before coding-DNA position 652, G replaced by A.
Molecular consequence: intron variant.
Genome position (GRCh38, 1-based): chr11:67,458,360, G>A. VCF-style: chr11-67458360-G-A. GRCh37 (hg19) VCF-style: chr11-67225831-G-A.
Other names: c.337-11G>A (NM_001379183.1, NM_001300896.3, NM_001300895.3).
Identifiers: ClinVar variation 305659 (VCV000305659.13), dbSNP rs117175952, ClinGen allele CA6140313.